The following is an entry in ClinVar:

NM_032608.7(MYO18B):c.1551G>A (p.Trp517Ter)

Gene: MYO18B (myosin XVIIIB; plus strand). Cytogenetic location: 22q12.1.
Variant type: single nucleotide variant.
Coding change: c.1551G>A on transcript NM_032608.7 (MANE Select); coding-DNA position 1551, G replaced by A.
Protein change: p.Trp517Ter; replaces tryptophan 517 with a stop codon.
Molecular consequence: nonsense.
Genome position (GRCh38, 1-based): chr22:25,770,148, G>A. VCF-style: chr22-25770148-G-A. GRCh37 (hg19) VCF-style: chr22-26166115-G-A.
Other names: c.1551G>A, p.Trp517Ter (NM_001318245.2); short protein forms W517*.
Identifiers: ClinVar variation 1384301 (VCV001384301.6), dbSNP rs2086666403, ClinGen allele CA411005128.

ClinVar aggregate classification (germline): Pathogenic (1 of 4 stars; one submission).

Allele frequency attached by ClinVar (database versions not stated): gnomAD exomes below 0.00001; TOPMed 0.00001.
gnomAD v4.1: 1 of 1,613,938 alleles (0.000062%); highest among the groups gnomAD compares: Admixed American, 0.0017%; no homozygotes.

Submission:

Labcorp Genetics (formerly Invitae), Labcorp
Classification: Pathogenic. Last evaluated: 2024-01-04. Review status: criteria provided, single submitter. Criteria: Invitae Variant Classification Sherloc (09022015). Collection method: clinical testing. Allele origin: germline.
Comment: This sequence change creates a premature translational stop signal (p.Trp517*) in the MYO18B gene. It is expected to result in an absent or disrupted protein product. Loss-of-function variants in MYO18B are known to be pathogenic (PMID: 25748484, 32184166, 32637634). This variant is not present in population databases (gnomAD no frequency). This variant has not been reported in the literature in individuals affected with MYO18B-related conditions. ClinVar contains an entry for this variant (Variation ID: 1384301). For these reasons, this variant has been classified as Pathogenic.

Literature cited by the submitters: PubMed 25748484; PubMed 32184166; PubMed 32637634.